The following is an entry in ClinVar:

ClinVar aggregate classification (germline): Uncertain significance (1 of 4 stars; one submission).

Conditions:
Hereditary nonpolyposis colorectal neoplasms. Identifiers: MedGen C0009405, MeSH D003123.

Submission:

Labcorp Genetics (formerly Invitae), Labcorp
Classification: Uncertain significance for Hereditary nonpolyposis colorectal neoplasms. Last evaluated: 2018-12-06. Review status: criteria provided, single submitter. Criteria: Invitae Variant Classification Sherloc (09022015). Collection method: clinical testing. Allele origin: germline.
Comment: The frequency data for this variant in the population databases (ExAC) is considered unreliable due to the presence of homologous sequence, such as pseudogenes or paralogs, in the genome. In summary, the available evidence is currently insufficient to determine the role of this variant in disease. Therefore, it has been classified as a Variant of Uncertain Significance. Algorithms developed to predict the effect of missense changes on protein structure and function are either unavailable or do not agree on the potential impact of this missense change (SIFT: "Deleterious"; PolyPhen-2: "Possibly Damaging"; Align-GVGD: "Class C0"). This variant has not been reported in the literature in individuals with PMS2-related conditions. This sequence change replaces methionine with lysine at codon 797 of the PMS2 protein (p.Met797Lys). The methionine residue is highly conserved and there is a moderate physicochemical difference between methionine and lysine.

NM_000535.7(PMS2):c.2390T>A (p.Met797Lys)

Gene: PMS2 (PMS1 homolog 2, mismatch repair system component; minus strand). Cytogenetic location: 7p22.1.
Variant type: single nucleotide variant.
Coding change: c.2390T>A on transcript NM_000535.7 (MANE Select); coding-DNA position 2390, T replaced by A.
Protein change: p.Met797Lys; replaces methionine 797 with lysine.
Molecular consequence: missense variant. On other transcripts: non-coding transcript variant (1).
Genome position (GRCh38, 1-based): chr7:5,977,643, A>T on the plus strand (T>A on the coding strand, the complement: PMS2 is on the minus strand). VCF-style: chr7-5977643-A-T. GRCh37 (hg19) VCF-style: chr7-6017274-A-T.
Other names: c.1985T>A, p.Met662Lys (NM_001322003.2, NM_001322004.2, NM_001322005.2); c.2234T>A, p.Met745Lys (NM_001322006.2); c.2072T>A, p.Met691Lys (NM_001322007.2, NM_001322008.2); c.2018T>A, p.Met673Lys (NM_001322009.2); c.1829T>A, p.Met610Lys (NM_001322010.2); c.1457T>A, p.Met486Lys (NM_001322011.2, NM_001322012.2); c.1817T>A, p.Met606Lys (NM_001322013.2); c.2423T>A, p.Met808Lys (NM_001322014.2); and 1 more; short protein forms M486K, M610K, M694K, M745K, M673K, M606K, M662K, M797K.
Identifiers: ClinVar variation 663981 (VCV000663981.8), dbSNP rs267608152, ClinGen allele CA366735721.
Genomic context (GRCh38, chr7:5,977,643, plus strand): 5'-CTTACCGACTTCCGGCAGGCTCTGGAGGCAAACATCTGCTTGACTCGGGAAGGCCGGCAC[A>T]TGACCCCAGGGCTGTCGCTCAGCATGAAGATCAGTTCATCGACGTCCTGGGGTCCGAAGG-3'
Protein context (NP_000526.2, residues 787-807): IFMLSDSPGV[Met797Lys]CRPSRVKQMF